The following is an entry in ClinVar:

ClinVar aggregate classification (germline): Likely benign. Review status: criteria provided, single submitter (1 of 4 stars). 2 submissions from 2 submitters: Likely benign (1). 1 of the submissions does not count toward it. Last evaluated 2024-11-17.

Conditions:
XIST-related disorder. Also called: XIST-related condition.

Allele frequency attached by ClinVar (database versions not stated): 1000 Genomes Project 0.00106; 1000 Genomes Project 30x 0.00125; TOPMed 0.00336; ExAC 0.00359; gnomAD 0.00367; ESP Exome Variant Server 0.00420; gnomAD exomes 0.00454.
gnomAD v4.1: 2,417 of 556,320 alleles (0.43%); highest among the groups gnomAD compares: Non-Finnish European, 0.64%; 7 homozygotes.

Submissions (2):

Blueprint Genetics
Classification: Likely benign. Last evaluated: 2024-11-17. Review status: criteria provided, single submitter. Criteria: ACMG Guidelines, 2015. Collection method: clinical testing. Allele origin: germline.

PreventionGenetics, part of Exact Sciences
Classification: Likely benign for XIST-related condition. Last evaluated: 2021-04-06. Review status: no assertion criteria provided. Collection method: clinical testing. Allele origin: germline. Not counted in ClinVar's aggregate classification.
Comment: This variant is classified as likely benign based on ACMG/AMP sequence variant interpretation guidelines (Richards et al. 2015 PMID: 25741868, with internal and published modifications).

NR_001564.3(XIST):n.2696G>A

Gene: XIST (X inactive specific transcript; minus strand). Cytogenetic location: Xq13.2.
Variant type: single nucleotide variant.
Genome position: GRCh38 VCF-style: chrX-73850019-C-T. GRCh37 (hg19) VCF-style: chrX-73069854-C-T.
Identifiers: ClinVar variation 3050691 (VCV003050691.3), dbSNP rs181822244, ClinGen allele CA10453704.